The following is an entry in ClinVar:

ClinVar aggregate classification (germline): Uncertain significance. Review status: criteria provided, multiple submitters, no conflicts (2 of 4 stars). 3 submissions from 3 submitters: Uncertain significance (3). Last evaluated 2025-11-01.

Conditions:
SRD5A3-congenital disorder of glycosylation. Also called: CDG Iq; Ocular colobomas, ichthyosis, brain malformations and endocrine abnormalities; SRD5A3-CDG; COLOBOMA, OCULAR, WITH ICHTHYOSIS, BRAIN MALFORMATIONS, AND ENDOCRINE ABNORMALITIES; Congenital disorder of glycosylation type 1Q. Identifiers: Orphanet 324737, MedGen C4317224, MONDO:0012885, OMIM 612379.

Submissions (3):

Medical Molecular Genetics, National Research Centre
Classification: Uncertain significance for SRD5A3-congenital disorder of glycosylation. Last evaluated: 2025-11-01. Review status: criteria provided, single submitter. Criteria: ACMG Guidelines, 2015. Collection method: research. Allele origin: inherited. Affected: yes.

Baylor Genetics
Classification: Uncertain significance for SRD5A3-congenital disorder of glycosylation. Last evaluated: 2020-09-19. Review status: criteria provided, single submitter. Criteria: ACMG Guidelines, 2015. Collection method: clinical testing. Allele origin: unknown. Affected: yes.
Comment: This variant was determined to be of uncertain significance according to ACMG Guidelines, 2015 [PMID:25741868].

Daryl Scott Lab, Baylor College of Medicine
Classification: Uncertain significance for SRD5A3-congenital disorder of glycosylation. Review status: criteria provided, single submitter. Criteria: ACMG Guidelines, 2015. Collection method: clinical testing. Allele origin: biparental. Affected: yes.
Comment: PM2, PP3

NM_024592.5(SRD5A3):c.416A>G (p.His139Arg)

Gene: SRD5A3 (steroid 5 alpha-reductase 3; plus strand). Cytogenetic location: 4q12.
Variant type: single nucleotide variant.
Coding change: c.416A>G on transcript NM_024592.5 (MANE Select); coding-DNA position 416, A replaced by G.
Protein change: p.His139Arg; replaces histidine 139 with arginine.
Molecular consequence: missense variant.
Genome position (GRCh38, 1-based): chr4:55,364,125, A>G. VCF-style: chr4-55364125-A-G. GRCh37 (hg19) VCF-style: chr4-56230292-A-G.
Other names: short protein forms H139R.
Identifiers: ClinVar variation 1028325 (VCV001028325.3), dbSNP rs1719786702, ClinGen allele CA356957371.